The following is an entry in ClinVar:

NM_000458.4(HNF1B):c.41G>A (p.Ser14Asn)

Gene: HNF1B (HNF1 homeobox B; minus strand). Cytogenetic location: 17q12.
Variant type: single nucleotide variant.
Coding change: c.41G>A on transcript NM_000458.4 (MANE Select); coding-DNA position 41, G replaced by A.
Protein change: p.Ser14Asn; replaces serine 14 with asparagine.
Molecular consequence: missense variant.
Genome position (GRCh38, 1-based): chr17:37,744,844, C>T on the plus strand (G>A on the coding strand, the complement: HNF1B is on the minus strand). VCF-style: chr17-37744844-C-T. GRCh37 (hg19) VCF-style: chr17-36104835-C-T.
Other names: c.41G>A, p.Ser14Asn (NM_001165923.4, NM_001304286.2, NM_001411100.1); c.41G>A (NM_000458.2); short protein forms S14N.
Identifiers: ClinVar variation 3345050 (VCV003345050.2).

ClinVar aggregate classification (germline): Uncertain significance. Review status: criteria provided, single submitter (1 of 4 stars). 2 submissions from 2 submitters: Uncertain significance (1). 1 of the submissions does not count toward it. Last evaluated 2024-10-23.

Conditions:
HNF1B-related disorder. Also called: HNF1B-related condition; HNF1B-related disorders.

Submissions (2):

GeneDx
Classification: Uncertain significance. Last evaluated: 2024-10-23. Review status: criteria provided, single submitter. Criteria: GeneDx Variant Classification Process June 2021. Collection method: clinical testing. Allele origin: germline. Affected: yes.
Comment: Not observed at significant frequency in large population cohorts (gnomAD); In silico analysis supports that this missense variant has a deleterious effect on protein structure/function; Has not been previously published as pathogenic or benign to our knowledge

PreventionGenetics, part of Exact Sciences
Classification: Uncertain significance for HNF1B-related condition. Last evaluated: 2024-08-07. Review status: no assertion criteria provided. Collection method: clinical testing. Allele origin: germline. Not counted in ClinVar's aggregate classification.
Comment: The HNF1B c.41G>A variant is predicted to result in the amino acid substitution p.Ser14Asn. To our knowledge, this variant has not been reported in the literature or in a large population database, indicating this variant is rare. At this time, the clinical significance of this variant is uncertain due to the absence of conclusive functional and genetic evidence.